The following is an entry in ClinVar:

ClinVar aggregate classification (germline): Likely benign. Review status: criteria provided, single submitter (1 of 4 stars). 2 submissions from 2 submitters: Likely benign (1). 1 of the submissions does not count toward it. Last evaluated 2025-04-08.

Conditions:
EFTUD2-related disorder. Also called: EFTUD2-related condition.

Allele frequency attached by ClinVar (database versions not stated): gnomAD exomes 0.00001; ExAC 0.00004; gnomAD 0.00009; TOPMed 0.00010.

Submissions (2):

Labcorp Genetics (formerly Invitae), Labcorp
Classification: Likely benign. Last evaluated: 2025-04-08. Review status: criteria provided, single submitter. Criteria: Invitae Variant Classification Sherloc (09022015). Collection method: clinical testing. Allele origin: germline.

PreventionGenetics, part of Exact Sciences
Classification: Likely benign for EFTUD2-related condition. Last evaluated: 2021-10-14. Review status: no assertion criteria provided. Collection method: clinical testing. Allele origin: germline. Not counted in ClinVar's aggregate classification.
Comment: This variant is classified as likely benign based on ACMG/AMP sequence variant interpretation guidelines (Richards et al. 2015 PMID: 25741868, with internal and published modifications).

NM_004247.4(EFTUD2):c.1058+7dup

Gene: EFTUD2 (elongation factor Tu GTP binding domain containing 2; minus strand). Cytogenetic location: 17q21.31.
Variant type: Duplication.
Coding change: c.1058+7dup on transcript NM_004247.4 (MANE Select); 7 bases into the intron after coding-DNA position 1058, one base duplicated (A; older notation c.1058+7dupA).
Molecular consequence: intron variant.
Genome position (GRCh38, 1-based): chr17:44,868,280, T duplicated on the plus strand (A on the coding strand, the reverse complement: EFTUD2 is on the minus strand). VCF-style (leftmost placement, unchanged base first): chr17-44868279-C-CT. GRCh37 (hg19) VCF-style: chr17-42945647-C-CT.
Other names: c.1028+7dup (NM_001258354.2); c.1058+7dup (NM_001258353.2); c.953+7dup (NM_001142605.2); c.1058+7dupA (NM_004247.3).
Identifiers: ClinVar variation 2974664 (VCV002974664.5), dbSNP rs764016111, ClinGen allele CA8607899.